The following is an entry in ClinVar:

NM_001267550.2(TTN):c.46909A>C (p.Ile15637Leu)

Genes: TTN (titin; minus strand), TTN-AS1 (TTN antisense RNA 1; plus strand). Cytogenetic location: 2q31.2.
Variant type: single nucleotide variant.
Coding change: c.46909A>C on transcript NM_001267550.2 (MANE Select); coding-DNA position 46909, A replaced by C.
Protein change: p.Ile15637Leu; replaces isoleucine 15637 with leucine.
Molecular consequence: missense variant.
Genome position (GRCh38, 1-based): chr2:178,618,641, T>G on the plus strand (A>C on the coding strand, the complement: TTN is on the minus strand). VCF-style: chr2-178618641-T-G. GRCh37 (hg19) VCF-style: chr2-179483368-T-G.
Other names: c.19714A>C, p.Ile6572Leu (NM_003319.4); c.39205A>C, p.Ile13069Leu (NM_133378.4); c.20089A>C, p.Ile6697Leu (NM_133432.3); c.20290A>C, p.Ile6764Leu (NM_133437.4); c.41986A>C, p.Ile13996Leu (NM_001256850.1); short protein forms I13069L, I13996L, I15637L, I6572L, I6697L, I6764L.
Identifiers: ClinVar variation 3377385 (VCV003377385.1).

ClinVar aggregate classification (germline): Uncertain significance (1 of 4 stars; one submission).

Conditions:
Dilated cardiomyopathy 1G (CMD1G). Identifiers: Orphanet 154, MedGen C1858763, MONDO:0011400, OMIM 604145.

gnomAD v4.1: 4 of 1,612,492 alleles (0.00025%); highest among the groups gnomAD compares: Non-Finnish European, 0.00017%; no homozygotes.

Submission:

Victorian Clinical Genetics Services, Murdoch Childrens Research Institute
Classification: Uncertain significance for Dilated cardiomyopathy 1G. Last evaluated: 2022-02-02. Review status: criteria provided, single submitter. Criteria: ACMG Guidelines, 2015. Collection method: clinical testing. Allele origin: germline.
Comment: Based on the classification scheme VCGS_Germline_v1.3.4, this variant is classified as a VUS-3C. Following criteria are met: 0102 - Loss of function is known mechanism of disease in this gene. In addition, dominant-negative is also a suggested mechanism. (PMID: 25589632). (I) 0108 - This gene is associated with both recessive and dominant disease (OMIM). (I) 0112 - The condition associated with this gene has incomplete penetrance. Variants in this gene that result in a premature truncating codon (PTC) are known to have reduced penetrance in DCM (PMID: 25589632). (I) 0200 - Variant is predicted to result in a missense amino acid change from isoleucine to leucine. (I) 0251 - This variant is heterozygous. (I) 0301 - Variant is absent from gnomAD (both v2 and v3). (SP) 0503 - Missense variant consistently predicted to be tolerated by multiple in silico tools or not conserved in placental mammals with a minor amino acid change. (SB) 0600 - Variant is located in the annotated I-band. (I) 0705 - No comparable missense variants have previous evidence for pathogenicity. (I) 0807 - This variant has no previous evidence of pathogenicity. (I) 0905 - No published segregation evidence has been identified for this variant. (I) 1007 - No published functional evidence has been identified for this variant. (I) 1208 - Inheritance information for this variant is not currently available in this individual. (I) Legend: (SP) - Supporting pathogenic, (I) - Information, (SB) - Supporting benign

Literature cited by the submitters: PubMed 25589632.